The following is an entry in ClinVar:

ClinVar aggregate classification (germline): Uncertain significance (1 of 4 stars; one submission).

Conditions:
Jeune thoracic dystrophy. Also called: Jeune syndrome; Infantile thoracic dystrophy; Thoracic pelvic phalangeal dystrophy; Jeune's syndrome; Chondroectodermal dysplasia-like syndrome; Short-rib thoracic dysplasia. Identifiers: Orphanet 474, MedGen C0265275, MONDO:0018770.
Nephronophthisis. Also called: Juvenile Nephronophthisis. Identifiers: Orphanet 655, MedGen C0687120, MONDO:0019005, HP:0000090.

gnomAD v4.1: 8 of 1,611,918 alleles (0.0005%); highest among the groups gnomAD compares: African/African-American, 0.0013%; no homozygotes.

Submission:

Labcorp Genetics (formerly Invitae), Labcorp
Classification: Uncertain significance for Jeune thoracic dystrophy; Nephronophthisis. Last evaluated: 2023-04-24. Review status: criteria provided, single submitter. Criteria: Invitae Variant Classification Sherloc (09022015). Collection method: clinical testing. Allele origin: germline.
Comment: This variant has not been reported in the literature in individuals affected with TTC21B-related conditions. In summary, the available evidence is currently insufficient to determine the role of this variant in disease. Therefore, it has been classified as a Variant of Uncertain Significance. Variants that disrupt the consensus splice site are a relatively common cause of aberrant splicing (PMID: 17576681, 9536098). Algorithms developed to predict the effect of sequence changes on RNA splicing suggest that this variant is not likely to affect RNA splicing. This variant is present in population databases (rs746342325, gnomAD 0.0009%). This sequence change falls in intron 4 of the TTC21B gene. It does not directly change the encoded amino acid sequence of the TTC21B protein. It affects a nucleotide within the consensus splice site.

Literature cited by the submitters: PubMed 17576681; PubMed 9536098.

NM_024753.5(TTC21B):c.429+5C>T

Genes: TTC21B-AS1 (TTC21B antisense RNA 1; plus strand), TTC21B (tetratricopeptide repeat domain 21B; minus strand). Cytogenetic location: 2q24.3.
Variant type: single nucleotide variant.
Coding change: c.429+5C>T on transcript NM_024753.5 (MANE Select); 5 bases into the intron after coding-DNA position 429, C replaced by T.
Molecular consequence: intron variant.
Genome position (GRCh38, 1-based): chr2:165,945,519, G>A on the plus strand (C>T on the coding strand, the complement: TTC21B is on the minus strand). VCF-style: chr2-165945519-G-A. GRCh37 (hg19) VCF-style: chr2-166802029-G-A.
Identifiers: ClinVar variation 2925257 (VCV002925257.3), dbSNP rs746342325, ClinGen allele CA1942454.